The following is an entry in ClinVar:

ClinVar aggregate classification (germline): Likely benign. Review status: criteria provided, multiple submitters, no conflicts (2 of 4 stars). 3 submissions from 3 submitters: Likely benign (3). Last evaluated 2026-01-28.

Conditions:
Bifunctional peroxisomal enzyme deficiency (DBIF). Also called: D-bifunctional protein deficiency; PBFE DEFICIENCY; DBP DEFICIENCY. Identifiers: Orphanet 300, MedGen C0342870, MONDO:0009855, OMIM 261515. Disease mechanism: loss of function.
Perrault syndrome. Also called: Gonadal dysgenesis with auditory dysfunction, autosomal recessive inheritance. Identifiers: Orphanet 2855, MedGen C0685838, MONDO:0017312.
HSD17B4-related disorder. Also called: HSD17B4-related condition; HSD17B4-related disorders.

Allele frequency attached by ClinVar (database versions not stated): gnomAD 0.00010 and 0.00011; TOPMed 0.00015; ExAC 0.00001; gnomAD exomes 0.00001.
gnomAD v4.1: 21 of 1,610,960 alleles (0.0013%); highest among the groups gnomAD compares: Admixed American, 0.027%; no homozygotes.

Submissions (3):

Labcorp Genetics (formerly Invitae), Labcorp
Classification: Likely benign for Perrault syndrome; Bifunctional peroxisomal enzyme deficiency. Last evaluated: 2026-01-28. Review status: criteria provided, single submitter. Criteria: Invitae Variant Classification Sherloc (09022015). Collection method: clinical testing. Allele origin: germline.

PreventionGenetics, part of Exact Sciences
Classification: Likely benign for HSD17B4-related condition. Last evaluated: 2025-08-17. Review status: criteria provided, single submitter. Criteria: ACMG Guidelines, 2015. Collection method: clinical testing. Allele origin: germline.
Comment: This variant is classified as likely benign based on ACMG/AMP sequence variant interpretation guidelines (Richards et al. 2015 PMID: 25741868, with internal and published modifications).

GeneDx
Classification: Likely benign. Last evaluated: 2021-06-01. Review status: criteria provided, single submitter. Criteria: GeneDx Variant Classification Process June 2021. Collection method: clinical testing. Allele origin: germline. Affected: yes.

NM_000414.4(HSD17B4):c.1398T>G (p.Ser466=)

Gene: HSD17B4 (hydroxysteroid 17-beta dehydrogenase 4; plus strand). Cytogenetic location: 5q23.1.
Variant type: single nucleotide variant.
Coding change: c.1398T>G on transcript NM_000414.4 (MANE Select); coding-DNA position 1398, T replaced by G.
Protein change: p.Ser466=; no amino-acid change (serine 466 retained).
Molecular consequence: synonymous variant. On other transcripts: non-coding transcript variant (2).
Genome position (GRCh38, 1-based): chr5:119,509,205, T>G. VCF-style: chr5-119509205-T-G. GRCh37 (hg19) VCF-style: chr5-118844900-T-G.
Other names: c.1473T>G, p.Ser491= (NM_001199291.3); c.1344T>G, p.Ser448= (NM_001199292.2); c.1326T>G, p.Ser442= (NM_001292027.2, NM_001374498.1); c.978T>G, p.Ser326= (NM_001292028.2); c.1389T>G, p.Ser463= (NM_001374497.1); c.1071T>G, p.Ser357= (NM_001374499.1); c.957T>G, p.Ser319= (NM_001374500.1); c.987T>G, p.Ser329= (NM_001374501.1, NM_001374502.1, NM_001374503.1).
Identifiers: ClinVar variation 738695 (VCV000738695.13), dbSNP rs746787900, ClinGen allele CA3382218.
Genomic context (GRCh38, chr5:119,509,205, plus strand): 5'-TTCTTATTCTGAGAAGGAACTTATATGCCACAATCAGTTCTCTCTCTTTCTTGTTGGCTC[T>G]GGAGGCTTTGGTGGAAAACGGACATCAGACAAAGTCAAGGTAAGCCATGACTTTGTAAGC-3'
Protein context (NP_000405.1, residues 456-476): HNQFSLFLVG[Ser466=]GGFGGKRTSD